The following is an entry in ClinVar:

NM_000168.6(GLI3):c.840C>G (p.Ser280=)

Gene: GLI3 (GLI family zinc finger 3; minus strand). Cytogenetic location: 7p14.1.
Variant type: single nucleotide variant.
Coding change: c.840C>G on transcript NM_000168.6 (MANE Select); coding-DNA position 840, C replaced by G.
Protein change: p.Ser280=; no amino-acid change (serine 280 retained).
Molecular consequence: synonymous variant.
Genome position (GRCh38, 1-based): chr7:42,040,226, G>C on the plus strand (C>G on the coding strand, the complement: GLI3 is on the minus strand). VCF-style: chr7-42040226-G-C. GRCh37 (hg19) VCF-style: chr7-42079825-G-C.
Identifiers: ClinVar variation 255450 (VCV000255450.57), dbSNP rs77084911, ClinGen allele CA4231039.

ClinVar aggregate classification (germline): Benign/Likely benign. Review status: criteria provided, multiple submitters, no conflicts (2 of 4 stars). 13 submissions from 11 submitters: Benign (6); Likely benign (4). 3 of the submissions do not count toward it. Last evaluated 2025-12-15.

Conditions:
GLI3-related disorder. Also called: GLI3-related disorders; GLI3-related condition. Identifiers: MedGen CN239292.
Pallister-Hall syndrome (PHS). Also called: HYPOTHALAMIC HAMARTOBLASTOMA, HYPOPITUITARISM, IMPERFORATE ANUS, AND POSTAXIAL POLYDACTYLY; GLI3-Related Pallister-Hall Syndrome. Identifiers: Orphanet 672, MedGen C0265220, MONDO:0007804, OMIM 146510.
Greig cephalopolysyndactyly syndrome (GCPS). Also called: POLYSYNDACTYLY WITH PECULIAR SKULL SHAPE; Greig syndrome; GLI3-Related Greig Cephalopolysyndactyly Syndrome. Identifiers: Orphanet 380, MedGen C0265306, MONDO:0008287, OMIM 175700.
Polydactyly. Also called: polydactylism. Identifiers: MedGen C0152427, MONDO:0021003, OMIM 603596, HP:0010442.
Polydactyly, postaxial, type A1. Identifiers: MedGen C4282400, MONDO:0008266, OMIM 174200.
Polysyndactyly 4. Also called: Polysyndactyly uncomplicated; Preaxial polydactyly 4. Identifiers: Orphanet 93338, MedGen C1868111, MONDO:0008272, OMIM 174700.

Allele frequency attached by ClinVar (database versions not stated): 1000 Genomes Project 30x 0.00047; gnomAD 0.00194 and 0.00198; TOPMed 0.00201; gnomAD exomes 0.00239 and 0.00304; ESP Exome Variant Server 0.00284; ExAC 0.00297.
gnomAD v4.1: 4,694 of 1,612,848 alleles (0.29%); highest among the groups gnomAD compares: Non-Finnish European, 0.36%; 8 homozygotes.

Submissions (13):

Labcorp Genetics (formerly Invitae), Labcorp
Classification: Benign for Pallister-Hall syndrome; Greig cephalopolysyndactyly syndrome. Last evaluated: 2025-12-15. Review status: criteria provided, single submitter. Criteria: Invitae Variant Classification Sherloc (09022015). Collection method: clinical testing. Allele origin: germline.

Blueprint Genetics
Classification: Likely benign. Last evaluated: 2024-11-27. Review status: criteria provided, single submitter. Criteria: ACMG Guidelines, 2015. Collection method: clinical testing. Allele origin: germline.

CeGaT Center for Human Genetics Tuebingen
Classification: Benign. Last evaluated: 2024-01-01. Review status: criteria provided, single submitter. Criteria: CeGaT Center For Human Genetics Tuebingen Variant Classification Criteria Version 2. Collection method: clinical testing. Allele origin: germline. Affected: yes. Observed: 3 variant alleles.
Comment: GLI3: BP4, BS1, BS2

Fulgent Genetics
Classification: Likely benign for Pallister-Hall syndrome; Polydactyly, postaxial, type A1; Polysyndactyly 4; Greig cephalopolysyndactyly syndrome. Last evaluated: 2021-07-26. Review status: criteria provided, single submitter. Criteria: ACMG Guidelines, 2015. Collection method: clinical testing. Allele origin: unknown.

Genetic Services Laboratory, University of Chicago
Classification: Likely benign. Last evaluated: 2019-05-23. Review status: criteria provided, single submitter. Criteria: ACMG Guidelines, 2015. Collection method: clinical testing. Allele origin: germline. Affected: no.

Illumina Laboratory Services, Illumina
Classification: Benign for Polydactyly. Last evaluated: 2018-01-12. Review status: criteria provided, single submitter. Criteria: ICSL Variant Classification Criteria 13 December 2019. Collection method: clinical testing. Allele origin: germline.
Comment: This variant was observed in the ICSL laboratory as part of a predisposition screen in an ostensibly healthy population. It had not been previously curated by ICSL or reported in the Human Gene Mutation Database (HGMD: prior to June 1st, 2018), and was therefore a candidate for classification through an automated scoring system. Utilizing variant allele frequency, disease prevalence and penetrance estimates, and inheritance mode, an automated score was calculated to assess if this variant is too frequent to cause the disease. Based on the score and internal cut-off values, a variant classified as benign is not then subjected to further curation. The score for this variant resulted in a classification of benign for this disease.

Illumina Laboratory Services, Illumina
Classification: Benign for Greig cephalopolysyndactyly syndrome. Last evaluated: 2018-01-12. Review status: criteria provided, single submitter. Criteria: ICSL Variant Classification Criteria 13 December 2019. Collection method: clinical testing. Allele origin: germline.
Comment: the same text as in the submission from Illumina Laboratory Services, Illumina above.

Illumina Laboratory Services, Illumina
Classification: Benign for Pallister-Hall syndrome. Last evaluated: 2018-01-12. Review status: criteria provided, single submitter. Criteria: ICSL Variant Classification Criteria 13 December 2019. Collection method: clinical testing. Allele origin: germline.
Comment: the same text as in the submission from Illumina Laboratory Services, Illumina above.

Eurofins Ntd Llc (ga)
Classification: Likely benign. Last evaluated: 2015-09-04. Review status: criteria provided, single submitter. Criteria: EGL Classification Definitions 2015. Collection method: clinical testing. Allele origin: germline. Observed: 1 variant allele, 1 heterozygote.

GeneDx
Classification: Benign. Last evaluated: 2015-03-03. Review status: criteria provided, single submitter. Criteria: GeneDx Variant Classification Process June 2021. Collection method: clinical testing. Allele origin: germline. Affected: yes.

PreventionGenetics, part of Exact Sciences
Classification: Benign for GLI3-related condition. Last evaluated: 2020-09-23. Review status: no assertion criteria provided. Collection method: clinical testing. Allele origin: germline. Not counted in ClinVar's aggregate classification.
Comment: This variant is classified as benign based on ACMG/AMP sequence variant interpretation guidelines (Richards et al. 2015 PMID: 25741868, with internal and published modifications).

Clinical Genetics DNA and cytogenetics Diagnostics Lab, Erasmus MC, Erasmus Medical Center
Classification: Benign. Review status: no assertion criteria provided. Collection method: clinical testing. Allele origin: germline. Affected: yes. Study: VKGL Data-share Consensus. Not counted in ClinVar's aggregate classification.

Clinical Genetics, Academic Medical Center
Classification: Benign. Review status: no assertion criteria provided. Collection method: clinical testing. Allele origin: germline. Affected: yes. Study: VKGL Data-share Consensus. Not counted in ClinVar's aggregate classification.